The following is an entry in ClinVar:

NM_201525.4(ADGRG1):c.1490T>C (p.Leu497Pro)

Gene: ADGRG1 (adhesion G protein-coupled receptor G1; plus strand). Cytogenetic location: 16q21.
Variant type: single nucleotide variant.
Coding change: c.1490T>C on transcript NM_201525.4 (MANE Select); coding-DNA position 1490, T replaced by C.
Protein change: p.Leu497Pro; replaces leucine 497 with proline.
Molecular consequence: missense variant.
Genome position (GRCh38, 1-based): chr16:57,659,616, T>C. VCF-style: chr16-57659616-T-C. GRCh37 (hg19) VCF-style: chr16-57693528-T-C.
Other names: c.1490T>C, p.Leu497Pro (NM_001145770.3, NM_001145772.3, NM_001145774.3 and 7 more transcripts); c.1508T>C, p.Leu503Pro (NM_001145771.3, NM_001370428.1, NM_001370429.1 and 4 more transcripts); c.1505T>C, p.Leu502Pro (NM_001145773.3, NM_001370433.1, NM_001370434.1); c.998T>C, p.Leu333Pro (NM_001290142.2); c.983T>C, p.Leu328Pro (NM_001290143.2); c.965T>C, p.Leu322Pro (NM_001290144.2, NM_001370451.1, NM_001370453.1 and 1 more transcripts); c.1487T>C, p.Leu496Pro (NM_001370441.1); c.1334T>C, p.Leu445Pro (NM_001370442.1); short protein forms L503P, L328P, L445P, L502P, L333P, L497P, L322P, L496P.
Identifiers: ClinVar variation 158620 (VCV000158620.9), dbSNP rs587783654, ClinGen allele CA271530.

ClinVar aggregate classification (germline): Conflicting classifications of pathogenicity. Review status: criteria provided, conflicting classifications (1 of 4 stars). 4 submissions from 4 submitters: Likely pathogenic (3); Uncertain significance (1). Last evaluated 2022-11-01.

Conditions:
Bilateral frontoparietal polymicrogyria. Also called: CORTICAL DYSPLASIA, COMPLEX, WITH OTHER BRAIN MALFORMATIONS 14A (BILATERAL FRONTOPARIETAL); CEREBELLAR ATAXIA WITH NEURONAL MIGRATION DEFECT. Identifiers: Orphanet 101070, MedGen C1847352, MONDO:0011738, OMIM 606854.
Polymicrogyria, bilateral perisylvian, autosomal recessive (CDCBM14B). Also called: CORTICAL DYSPLASIA, COMPLEX, WITH OTHER BRAIN MALFORMATIONS 14B (BILATERAL PERISYLVIAN). Identifiers: MedGen C3810405, MONDO:0014333, OMIM 615752.

Allele frequency attached by ClinVar (database versions not stated): gnomAD 0.00001; TOPMed 0.00004.
gnomAD v4.1: 2 of 1,613,316 alleles (0.00012%); highest among the groups gnomAD compares: Admixed American, 0.0017%; no homozygotes.

Submissions (4):

Labcorp Genetics (formerly Invitae), Labcorp
Classification: Uncertain significance. Last evaluated: 2022-11-01. Review status: criteria provided, single submitter. Criteria: Invitae Variant Classification Sherloc (09022015). Collection method: clinical testing. Allele origin: germline.
Comment: This sequence change replaces leucine, which is neutral and non-polar, with proline, which is neutral and non-polar, at codon 503 of the ADGRG1 protein (p.Leu503Pro). This variant is not present in population databases (gnomAD no frequency). This variant has not been reported in the literature in individuals affected with ADGRG1-related conditions. ClinVar contains an entry for this variant (Variation ID: 158620). Algorithms developed to predict the effect of missense changes on protein structure and function (SIFT, PolyPhen-2, Align-GVGD) all suggest that this variant is likely to be disruptive. In summary, the available evidence is currently insufficient to determine the role of this variant in disease. Therefore, it has been classified as a Variant of Uncertain Significance.

New York Genome Center
Classification: Likely pathogenic for Polymicrogyria, bilateral perisylvian, autosomal recessive; Bilateral frontoparietal polymicrogyria. Last evaluated: 2021-06-04. Review status: criteria provided, single submitter. Criteria: NYGC Assertion Criteria 2020. Collection method: clinical testing. Allele origin: inherited. Observed: 1 heterozygote. Study: CSER-NYCKidSeq.

GeneDx
Classification: Likely pathogenic. Last evaluated: 2016-01-20. Review status: criteria provided, single submitter. Criteria: GeneDx Variant Classification (06012015). Collection method: clinical testing. Allele origin: germline. Affected: yes.
Comment: The L503P variant in the GPR56 gene has not been reported previously as a pathogenic variant, nor as a benign variant, to our knowledge. The L503P variant was not observed in approximately 6500 individuals of European and African American ancestry in the NHLBI Exome Sequencing Project, indicating it is not a common benign variant in these populations. The L503P variant is a semi-conservative amino acid substitution, which may impact secondary protein structure as these residues differ in some properties. This substitution occurs at a position that is conserved in mammals. In silico analysis predicts this variant is probably damaging to the protein structure/function. The L503P variant is a strong candidate for a pathogenic variant, however the possibility it may be a rare benign variant cannot be excluded.

Genetic Services Laboratory, University of Chicago
Classification: Likely pathogenic for Polymicrogyria, bilateral frontoparietal. Last evaluated: 2013-02-08. Review status: criteria provided, single submitter. Criteria: ACMG Guidelines, 2007. Collection method: clinical testing. Allele origin: germline. Inheritance: Autosomal recessive inheritance. Affected: yes.